The following is an entry in ClinVar:

NM_001378183.1(PIEZO2):c.5620C>T (p.Arg1874Cys)

Gene: PIEZO2 (piezo type mechanosensitive ion channel component 2; minus strand). Cytogenetic location: 18p11.22.
Variant type: single nucleotide variant.
Coding change: c.5620C>T on transcript NM_001378183.1 (MANE Select); coding-DNA position 5620, C replaced by T.
Protein change: p.Arg1874Cys; replaces arginine 1874 with cysteine.
Molecular consequence: missense variant.
Genome position (GRCh38, 1-based): chr18:10,705,715, G>A on the plus strand (C>T on the coding strand, the complement: PIEZO2 is on the minus strand). VCF-style: chr18-10705715-G-A. GRCh37 (hg19) VCF-style: chr18-10705713-G-A.
Other names: c.5356C>T, p.Arg1786Cys (NM_001410871.1); c.5281C>T, p.Arg1761Cys (NM_022068.4); short protein forms R1761C, R1786C, R1874C.
Identifiers: ClinVar variation 2635957 (VCV002635957.24), dbSNP rs563775093, ClinGen allele CA8892323.

ClinVar aggregate classification (germline): Uncertain significance. Review status: criteria provided, multiple submitters, no conflicts (2 of 4 stars). 2 submissions from 2 submitters: Uncertain significance (2). Last evaluated 2023-09-01.

Conditions:
PIEZO2-related disorder. Also called: PIEZO2-related disorders; PIEZO2-related condition.

Allele frequency attached by ClinVar (database versions not stated): TOPMed 0.00008.
gnomAD v4.1: 309 of 1,535,774 alleles (0.02%); highest among the groups gnomAD compares: Middle Eastern, 0.033%; no homozygotes.

Submissions (2):

CeGaT Center for Human Genetics Tuebingen
Classification: Uncertain significance. Last evaluated: 2023-09-01. Review status: criteria provided, single submitter. Criteria: CeGaT Center For Human Genetics Tuebingen Variant Classification Criteria Version 2. Collection method: clinical testing. Allele origin: germline. Affected: yes. Observed: 1 variant allele.
Comment: PIEZO2: PP3

PreventionGenetics, part of Exact Sciences
Classification: Uncertain significance for PIEZO2-related condition. Last evaluated: 2022-09-07. Review status: criteria provided, single submitter. Criteria: ACMG Guidelines, 2015. Collection method: clinical testing. Allele origin: germline.
Comment: The PIEZO2 c.5281C>T variant is predicted to result in the amino acid substitution p.Arg1761Cys. To our knowledge, this variant has not been reported in the literature. This variant is reported in 0.016% of alleles in individuals of European (Non-Finnish) descent in gnomAD. At this time, the clinical significance of this variant is uncertain due to the absence of conclusive functional and genetic evidence.